The following is an entry in ClinVar:

NM_030632.3(ASXL3):c.3095A>G (p.Lys1032Arg)

Gene: ASXL3 (ASXL transcriptional regulator 3; plus strand). Cytogenetic location: 18q12.1.
Variant type: single nucleotide variant.
Coding change: c.3095A>G on transcript NM_030632.3 (MANE Select); coding-DNA position 3095, A replaced by G.
Protein change: p.Lys1032Arg; replaces lysine 1032 with arginine.
Molecular consequence: missense variant.
Genome position (GRCh38, 1-based): chr18:33,742,943, A>G. VCF-style: chr18-33742943-A-G. GRCh37 (hg19) VCF-style: chr18-31322907-A-G.
Other names: short protein forms K1032R.
Identifiers: ClinVar variation 2595880 (VCV002595880.3), dbSNP rs748162166, ClinGen allele CA8934022.

ClinVar aggregate classification (germline): Conflicting classifications of pathogenicity. Review status: criteria provided, conflicting classifications (1 of 4 stars). 2 submissions from 2 submitters: Uncertain significance (1); Likely benign (1). Last evaluated 2023-08-03.

Conditions:
Inborn genetic diseases. Identifiers: MedGen C0950123, MeSH D030342.

Allele frequency attached by ClinVar (database versions not stated): gnomAD exomes below 0.00001; ExAC 0.00001; TOPMed 0.00002.
gnomAD v4.1: 3 of 1,613,506 alleles (0.00019%); highest among the groups gnomAD compares: East Asian, 0.0022%; no homozygotes.

Submissions (2):

GeneDx
Classification: Uncertain significance. Last evaluated: 2023-08-03. Review status: criteria provided, single submitter. Criteria: GeneDx Variant Classification Process June 2021. Collection method: clinical testing. Allele origin: germline. Affected: yes.
Comment: In silico analysis supports that this missense variant does not alter protein structure/function; Has not been previously published as pathogenic or benign to our knowledge

Ambry Genetics
Classification: Likely benign for Inborn genetic diseases. Last evaluated: 2023-06-22. Review status: criteria provided, single submitter. Criteria: Ambry Variant Classification Scheme 2023. Collection method: clinical testing. Allele origin: germline.